The following is an entry in ClinVar:

NM_022786.3(ARV1):c.518dup (p.Pro174fs)

Gene: ARV1 (ARV1 fatty acid homeostasis modulator; plus strand). Cytogenetic location: 1q42.2.
Variant type: Duplication.
Coding change: c.518dup on transcript NM_022786.3 (MANE Select); coding-DNA position 518, one base duplicated (A; older notation c.518dupA).
Protein change: p.Pro174fs; shifts the reading frame from proline 174.
Molecular consequence: frameshift variant. On other transcripts: non-coding transcript variant (1).
Genome position (GRCh38, 1-based): chr1:230,995,829, A duplicated; the last of 9 consecutive A bases (chr1:230,995,821-230,995,829); duplicating any one gives the same sequence. VCF-style (leftmost placement, unchanged base first): chr1-230995820-C-CA. GRCh37 (hg19) VCF-style: chr1-231131566-C-CA.
Other names: c.617dup, p.Pro207fs (NM_001346992.2); c.518dupA (NM_022786.3); short protein forms P207fs, P174fs.
Identifiers: ClinVar variation 839151 (VCV000839151.22), dbSNP rs544784472, ClinGen allele CA1450504.

ClinVar aggregate classification (germline): Pathogenic/Likely pathogenic. Review status: criteria provided, multiple submitters, no conflicts (2 of 4 stars). 10 submissions from 10 submitters: Pathogenic (9); Likely pathogenic (1). Last evaluated 2026-01-19.

Conditions:
3-methylglutaconic aciduria, type VIIB (MGCA7B). Also called: 3-methylglutaconic aciduria, type VII, with cataracts, neurologic involvement and neutropenia; CLPB Deficiency; 3-methylglutaconic aciduria with cataracts, neurologic involvement and neutropenia. Identifiers: Orphanet 445038, MedGen C5676893, MONDO:0014561, OMIM 616271.
Developmental and epileptic encephalopathy, 38 (DEE38). Also called: Epileptic encephalopathy, early infantile, 38. Identifiers: MedGen C4310762, MONDO:0014868, OMIM 617020.
ARV1-related disorder. Also called: ARV1-related condition. Identifiers: MedGen CN235539.

Submissions (10):

Variantyx, Inc.
Classification: Pathogenic for Developmental and epileptic encephalopathy, 38. Last evaluated: 2026-01-19. Review status: criteria provided, single submitter. Criteria: Variantyx Assertion Criteria 2022. Collection method: clinical testing. Allele origin: germline. Inheritance: Autosomal recessive inheritance. Affected: no.
Comment: This is a frameshift variant in the ARV1 gene (OMIM: 611647). Pathogenic variants in this gene have been associated with autosomal recessive developmental and epileptic encephalopathy 38. This variant introduces a premature termination codon in exon 4 out of 6 and is expected to result in loss of function, which is a known disease mechanism for ARV1 in this disorder (PVS1). This variant has been identified in the homozygous or compound heterozygous state in at least one individual reported in the published literature (PMID: 34296759)(PM3). This variant has a 0.0257% maximum allele frequency in non-founder control populations (PM2). Based on the current evidence, this variant is classified as pathogenic for autosomal recessive developmental and epileptic encephalopathy 38.

GeneDx
Classification: Pathogenic. Last evaluated: 2025-12-23. Review status: criteria provided, single submitter. Criteria: GeneDx Variant Classification Process June 2021. Collection method: clinical testing. Allele origin: germline. Affected: yes.
Comment: Frameshift variant predicted to result in protein truncation or nonsense mediated decay in a gene for which loss of function is a known mechanism of disease; Not observed at significant frequency in large population cohorts (gnomAD); This variant is associated with the following publications: (PMID: 34296759, 36307859)

Genomic Medicine Center of Excellence, King Faisal Specialist Hospital and Research Centre
Classification: Pathogenic for 3-methylglutaconic aciduria, type VIIB. Last evaluated: 2025-09-10. Review status: criteria provided, single submitter. Criteria: ACMG Guidelines, 2015. Collection method: clinical testing. Allele origin: germline.

3billion
Classification: Pathogenic for Developmental and epileptic encephalopathy, 38. Last evaluated: 2025-01-22. Review status: criteria provided, single submitter. Criteria: ACMG Guidelines, 2015. Collection method: clinical testing. Allele origin: germline. Affected: yes.
Comment: The variant is observed at an extremely low frequency in the gnomAD v4.1.0 dataset (total allele frequency: 0.007%). Predicted Consequence/Location: Frameshift: predicted to result in a loss or disruption of normal protein function through nonsense-mediated decay (NMD) or protein truncation. Multiple pathogenic variants are reported downstream of the variant. The variant has been reported at least twice as pathogenic with clinical assertions and evidence for the classification (ClinVar ID: VCV000839151 /PMID: 34296759). Therefore, this variant is classified as Pathogenic according to the recommendation of ACMG/AMP guideline.

Blueprint Genetics
Classification: Pathogenic for ARV1-related disorders. Last evaluated: 2024-08-05. Review status: criteria provided, single submitter. Criteria: ACMG Guidelines, 2015. Collection method: clinical testing. Allele origin: germline. Affected: yes. Observed: 5 variant alleles.

Dasa
Classification: Likely pathogenic. Last evaluated: 2024-05-24. Review status: criteria provided, single submitter. Criteria: DASA Assertion Criteria. Collection method: clinical testing. Allele origin: germline.
Comment: NM_022786.3(ARV1):c.518dup (p.Pro174AlafsTer14) is a frameshift variant in ARV1 predicted to alter the reading frame and introduce a premature termination codon and is predicted to result in an absent or altered protein product. Loss of function is an established disease mechanism for ARV1-associated disorders. This variant has been reported in individuals with ARV1-related disorders. Also, this variant is rare in population databases. Based on the currently available evidence, this variant is classified as likely pathogenic.

HudsonAlpha Institute for Biotechnology
Classification: Pathogenic for Developmental and epileptic encephalopathy, 38. Last evaluated: 2020-08-03. Review status: criteria provided, single submitter. Criteria: ACMG Guidelines, 2015. Collection method: research. Allele origin: paternal. Affected: yes. Observed: 1 variant allele. Study: HudsonAlpha-AGHI-WGS.
Comment: ACMG codes:PVS1, PP5, PM2

Labcorp Genetics (formerly Invitae), Labcorp
Classification: Pathogenic. Last evaluated: 2019-01-07. Review status: criteria provided, single submitter. Criteria: Invitae Variant Classification Sherloc (09022015). Collection method: clinical testing. Allele origin: germline.
Comment: This sequence change creates a premature translational stop signal (p.Pro174Alafs*14) in the ARV1 gene. It is expected to result in an absent or disrupted protein product. For these reasons, this variant has been classified as Pathogenic. Loss-of-function variants in ARV1 are known to be pathogenic (PMID: 27270415). This variant has not been reported in the literature in individuals with ARV1-related disease. This variant is present in population databases (rs544784472, ExAC 0.09%).

Juno Genomics, Hangzhou Juno Genomics, Inc
Classification: Pathogenic for Developmental and epileptic encephalopathy, 38. Review status: criteria provided, single submitter. Criteria: ACMG Guidelines, 2015. Collection method: clinical testing. Allele origin: germline.
Comment: Absent from controls (or at extremely low frequency if recessive) in Genome Aggregation Database.;Null variant in a gene where loss of function (LOF) is a known mechanism of disease.;For recessive disorders, detected in trans with a pathogenic variant.

Kasturba Medical College, Manipal, Kasturba Medical College, Manipal, Manipal Academy of Higher Education, Manipal, India
Classification: Pathogenic for Developmental and epileptic encephalopathy, 38. Review status: criteria provided, single submitter. Criteria: ACMG Guidelines, 2015. Collection method: clinical testing. Allele origin: germline. Inheritance: Autosomal recessive inheritance. Affected: yes. Observed: 1 homozygote.

Literature cited by the submitters: PubMed 34296759 (cited by Variantyx, Inc. and 3billion); PubMed 27270415 (cited by Labcorp Genetics (formerly Invitae), Labcorp).